The following is an entry in ClinVar:

NC_000015.9:g.(?_68500478)_(68521922_?)dup

Gene: CLN6 (CLN6 transmembrane ER protein; minus strand). Cytogenetic location: 15q23.
Variant type: Duplication.
Identifiers: ClinVar variation 1047554 (VCV001047554.1).

ClinVar aggregate classification (germline): Uncertain significance (1 of 4 stars; one submission).

Conditions:
Neuronal ceroid lipofuscinosis. Also called: Neuronal Ceroid Lipofuscinoses. Identifiers: Orphanet 216, Orphanet 79263, MedGen C0027877, MONDO:0016295. Disease mechanism: loss of function.

Submission:

Labcorp Genetics (formerly Invitae), Labcorp
Classification: Uncertain significance for Neuronal ceroid lipofuscinosis. Last evaluated: 2020-09-24. Review status: criteria provided, single submitter. Criteria: Invitae Variant Classification Sherloc (09022015). Collection method: clinical testing. Allele origin: germline.
Comment: This variant results in a copy number gain of the genomic region encompassing the full coding sequence of the CLN6 gene. The boundaries of this event are unknown as they extend beyond the assayed region for this gene and therefore may encompass additional genes. As the precise location of this event is unknown, it may be in tandem or it may be located elsewhere in the genome. This variant has not been reported in the literature in individuals with CLN6-related conditions. In summary, the available evidence is currently insufficient to determine the role of this variant in disease. Therefore, it has been classified as a Variant of Uncertain Significance.